The following is an entry in ClinVar:

ClinVar aggregate classification (germline): Uncertain significance. Review status: criteria provided, multiple submitters, no conflicts (2 of 4 stars). 2 submissions from 2 submitters: Uncertain significance (2). Last evaluated 2023-09-09.

Conditions:
Hereditary cancer-predisposing syndrome. Also called: Tumor predisposition; Hereditary neoplastic syndrome; Neoplastic Syndromes, Hereditary; Hereditary Cancer Syndrome. Identifiers: Orphanet 140162, MedGen C0027672, MeSH D009386, MONDO:0015356.
Familial adenomatous polyposis 1 (FAP1). Also called: FAMILIAL ADENOMATOUS POLYPOSIS 1, ATTENUATED; POLYPOSIS, ADENOMATOUS INTESTINAL. Identifiers: MedGen C2713442, MONDO:0021056, OMIM 175100. Disease mechanism: loss of function.

Allele frequency attached by ClinVar (database versions not stated): ExAC 0.00001.

Submissions (2):

Labcorp Genetics (formerly Invitae), Labcorp
Classification: Uncertain significance for Familial adenomatous polyposis 1. Last evaluated: 2023-09-09. Review status: criteria provided, single submitter. Criteria: Invitae Variant Classification Sherloc (09022015). Collection method: clinical testing. Allele origin: germline.
Comment: Advanced modeling of protein sequence and biophysical properties (such as structural, functional, and spatial information, amino acid conservation, physicochemical variation, residue mobility, and thermodynamic stability) performed at Invitae indicates that this missense variant is not expected to disrupt APC protein function. In summary, the available evidence is currently insufficient to determine the role of this variant in disease. Therefore, it has been classified as a Variant of Uncertain Significance. ClinVar contains an entry for this variant (Variation ID: 2178532). This variant has not been reported in the literature in individuals affected with APC-related conditions. This variant is present in population databases (rs763546422, gnomAD 0.006%). This sequence change replaces glutamine, which is neutral and polar, with histidine, which is basic and polar, at codon 879 of the APC protein (p.Gln879His).

Ambry Genetics
Classification: Uncertain significance for Hereditary cancer-predisposing syndrome. Last evaluated: 2023-04-18. Review status: criteria provided, single submitter. Criteria: Ambry Variant Classification Scheme 2023. Collection method: clinical testing. Allele origin: germline.
Comment: The p.Q879H variant (also known as c.2637G>T), located in coding exon 15 of the APC gene, results from a G to T substitution at nucleotide position 2637. The glutamine at codon 879 is replaced by histidine, an amino acid with highly similar properties. This amino acid position is conserved. In addition, in silico predictors for this gene do not accurately predict pathogenicity. Since supporting evidence is limited at this time, the clinical significance of this alteration remains unclear.

NM_000038.6(APC):c.2637G>T (p.Gln879His)

Gene: APC (APC regulator of Wnt signaling pathway; plus strand). Cytogenetic location: 5q22.2.
Variant type: single nucleotide variant.
Coding change: c.2637G>T on transcript NM_000038.6 (MANE Select); coding-DNA position 2637, G replaced by T.
Protein change: p.Gln879His; replaces glutamine 879 with histidine.
Molecular consequence: missense variant.
Genome position (GRCh38, 1-based): chr5:112,838,231, G>T. VCF-style: chr5-112838231-G-T. GRCh37 (hg19) VCF-style: chr5-112173928-G-T.
Other names: c.2637G>T, p.Gln879His (NM_001127510.3, NM_001354895.2, NM_001407450.1); c.2583G>T, p.Gln861His (NM_001127511.3); c.2691G>T, p.Gln897His (NM_001354896.2, NM_001407447.1, NM_001407448.1 and 1 more transcripts); c.2667G>T, p.Gln889His (NM_001354897.2); c.2562G>T, p.Gln854His (NM_001354898.2); c.2553G>T, p.Gln851His (NM_001354899.2); c.2514G>T, p.Gln838His (NM_001354900.2); c.2460G>T, p.Gln820His (NM_001354901.2, NM_001407453.1); and 12 more; short protein forms Q851H, Q879H, Q495H, Q596H, Q788H, Q861H, Q778H, Q796H.
Identifiers: ClinVar variation 2178532 (VCV002178532.6), dbSNP rs763546422, ClinGen allele CA032884.
Genomic context (GRCh38, chr5:112,838,231, plus strand): 5'-TCTAGGCAACTACCATCCAGCAACAGAAAATCCAGGAACTTCTTCAAAGCGAGGTTTGCA[G>T]ATCTCCACCACTGCAGCCCAGATTGCCAAAGTCATGGAAGAAGTGTCAGCCATTCATACC-3'
Protein context (NP_000029.2, residues 869-889): NPGTSSKRGL[Gln879His]ISTTAAQIAK